The following is an entry in ClinVar:

ClinVar aggregate classification (germline): Uncertain significance. Review status: criteria provided, multiple submitters, no conflicts (2 of 4 stars). 4 submissions from 4 submitters: Uncertain significance (3). 1 of the submissions does not count toward it. Last evaluated 2025-02-04.

Conditions:
Inborn genetic diseases. Identifiers: MedGen C0950123, MeSH D030342.
Arthrogryposis multiplex congenita (AMC). Also called: Congenital multiple arthrogryposis; Fibrous ankylosis of multiple joints; Congenital arthromyodysplasia; Myodystrophia fetalis deformans; Otto syndrome; Rocher-Sheldon syndrome. Identifiers: Orphanet 1037, MedGen C5779613, MeSH D001176, MONDO:0015168, HP:0002804.
Autism spectrum disorder - epilepsy - arthrogryposis syndrome (AMRS). Identifiers: Orphanet 370943, MedGen C3809910, MONDO:0014248, OMIM 615553.

Allele frequency attached by ClinVar (database versions not stated): ExAC 0.00002; gnomAD exomes 0.00004 and 0.00008; TOPMed 0.00004; gnomAD 0.00005.
gnomAD v4.1: 29 of 1,612,348 alleles (0.0018%); highest among the groups gnomAD compares: Admixed American, 0.047%; no homozygotes.

Submissions (4):

Ambry Genetics
Classification: Uncertain significance for Inborn genetic diseases. Last evaluated: 2025-02-04. Review status: criteria provided, single submitter. Criteria: Ambry Variant Classification Scheme 2023. Collection method: clinical testing. Allele origin: germline.

GeneDx
Classification: Uncertain significance. Last evaluated: 2022-11-22. Review status: criteria provided, single submitter. Criteria: GeneDx Variant Classification Process June 2021. Collection method: clinical testing. Allele origin: germline. Affected: yes.
Comment: In silico analysis supports that this missense variant does not alter protein structure/function; Has not been previously published as pathogenic or benign to our knowledge

Labcorp Genetics (formerly Invitae), Labcorp
Classification: Uncertain significance for Autism spectrum disorder - epilepsy - arthrogryposis syndrome. Last evaluated: 2022-01-05. Review status: criteria provided, single submitter. Criteria: Invitae Variant Classification Sherloc (09022015). Collection method: clinical testing. Allele origin: germline.
Comment: This sequence change replaces glycine, which is neutral and non-polar, with serine, which is neutral and polar, at codon 137 of the SLC35A3 protein (p.Gly137Ser). This variant is present in population databases (rs764989689, gnomAD 0.06%). This variant has not been reported in the literature in individuals affected with SLC35A3-related conditions. ClinVar contains an entry for this variant (Variation ID: 836805). Algorithms developed to predict the effect of missense changes on protein structure and function (SIFT, PolyPhen-2, Align-GVGD) all suggest that this variant is likely to be tolerated. In summary, the available evidence is currently insufficient to determine the role of this variant in disease. Therefore, it has been classified as a Variant of Uncertain Significance.

Natera, Inc.
Classification: Uncertain significance for Arthrogryposis. Last evaluated: 2020-09-16. Review status: no assertion criteria provided. Collection method: clinical testing. Allele origin: germline. Not counted in ClinVar's aggregate classification.

NM_012243.3(SLC35A3):c.409G>A (p.Gly137Ser)

Gene: SLC35A3 (solute carrier family 35 member A3; plus strand). Cytogenetic location: 1p21.2.
Variant type: single nucleotide variant.
Coding change: c.409G>A on transcript NM_012243.3 (MANE Select); coding-DNA position 409, G replaced by A.
Protein change: p.Gly137Ser; replaces glycine 137 with serine.
Molecular consequence: missense variant.
Genome position (GRCh38, 1-based): chr1:100,007,100, G>A. VCF-style: chr1-100007100-G-A. GRCh37 (hg19) VCF-style: chr1-100472656-G-A.
Other names: c.409G>A, p.Gly137Ser (NM_001271684.2); c.535G>A, p.Gly179Ser (NM_001271685.2); c.409G>A (NM_012243.1); short protein forms G179S, G137S.
Identifiers: ClinVar variation 836805 (VCV000836805.6), dbSNP rs764989689, ClinGen allele CA967585.